The following is an entry in ClinVar:

NM_004341.5(CAD):c.1153A>T (p.Thr385Ser)

Gene: CAD (carbamoyl-phosphate synthetase 2, aspartate transcarbamylase, and dihydroorotase; plus strand). Cytogenetic location: 2p23.3.
Variant type: single nucleotide variant.
Coding change: c.1153A>T on transcript NM_004341.5 (MANE Select); coding-DNA position 1153, A replaced by T.
Protein change: p.Thr385Ser; replaces threonine 385 with serine.
Molecular consequence: missense variant.
Genome position (GRCh38, 1-based): chr2:27,224,389, A>T. VCF-style: chr2-27224389-A-T. GRCh37 (hg19) VCF-style: chr2-27447257-A-T.
Other names: c.1153A>T, p.Thr385Ser (NM_001306079.2); short protein forms T385S.
Identifiers: ClinVar variation 1361872 (VCV001361872.8), dbSNP rs778480465, ClinGen allele CA346203467.

ClinVar aggregate classification (germline): Uncertain significance (1 of 4 stars; one submission).

Allele frequency attached by ClinVar (database versions not stated): TOPMed below 0.00001.
gnomAD v4.1: 2 of 1,613,912 alleles (0.00012%); highest among the groups gnomAD compares: Middle Eastern, 0.016%; no homozygotes.

Submission:

Labcorp Genetics (formerly Invitae), Labcorp
Classification: Uncertain significance. Last evaluated: 2021-06-17. Review status: criteria provided, single submitter. Criteria: Invitae Variant Classification Sherloc (09022015). Collection method: clinical testing. Allele origin: germline.
Comment: This sequence change replaces threonine with serine at codon 385 of the CAD protein (p.Thr385Ser). The threonine residue is weakly conserved and there is a small physicochemical difference between threonine and serine. This variant is not present in population databases (ExAC no frequency). Algorithms developed to predict the effect of missense changes on protein structure and function output the following: SIFT: "Tolerated"; PolyPhen-2: "Benign"; Align-GVGD: "Class C0". The serine amino acid residue is found in multiple mammalian species, suggesting that this missense change does not adversely affect protein function. These predictions have not been confirmed by published functional studies and their clinical significance is uncertain. In summary, the available evidence is currently insufficient to determine the role of this variant in disease. Therefore, it has been classified as a Variant of Uncertain Significance. This variant has not been reported in the literature in individuals with CAD-related conditions.